The following is an entry in ClinVar:

NC_000016.10:g.88324127_88331653del

Gene: ZNF469 (zinc finger protein 469; plus strand). Cytogenetic location: 16q24.2.
Variant type: Deletion.
Genome position: GRCh38: chr16:88,324,127-88,331,653. GRCh37 (hg19): chr16:88,357,733-88,365,259.
Identifiers: ClinVar variation 974324 (VCV000974324.2), ClinGen allele CA1139664854.

ClinVar aggregate classification (germline): Pathogenic (0 of 4 stars; one submission).

Conditions:
Fanconi anemia complementation group A (FANCA). Also called: Fanconi anemia, group A; FANCA-Related Fanconi Anemia. Identifiers: Orphanet 84, MedGen C3469521, MONDO:0009215, OMIM 227650.

Submission:

Leiden Open Variation Database
Classification: Pathogenic for Fanconi anemia complementation group A. Last evaluated: 2020-02-28. Review status: no assertion criteria provided. Collection method: curation. Allele origin: germline. Affected: yes.
Comment: Curator: Arleen D. Auerbach. Submitter to LOVD: Arleen D. Auerbach.

Literature cited by the submitters: PubMed 25168418.